The following is an entry in ClinVar:

ClinVar aggregate classification (germline): Uncertain significance (1 of 4 stars; one submission).

Conditions:
Ullrich congenital muscular dystrophy 2 (UCMD2). Identifiers: Orphanet 75840, MedGen C4225314, MONDO:0014654, OMIM 616470.
Bethlem myopathy 2 (BTHLM2). Identifiers: Orphanet 536516, Orphanet 610, MedGen C4225313, MONDO:0034022, OMIM 616471.

Submission:

Labcorp Genetics (formerly Invitae), Labcorp
Classification: Uncertain significance for Bethlem myopathy 2; Ullrich congenital muscular dystrophy 2. Last evaluated: 2025-10-10. Review status: criteria provided, single submitter. Criteria: Invitae Variant Classification Sherloc (09022015). Collection method: clinical testing. Allele origin: germline.
Comment: This sequence change replaces methionine, which is neutral and non-polar, with lysine, which is basic and polar, at codon 1100 of the COL12A1 protein (p.Met1100Lys). This variant is not present in population databases (gnomAD no frequency). This variant has not been reported in the literature in individuals affected with COL12A1-related conditions. Invitae Evidence Modeling of protein sequence and biophysical properties (such as structural, functional, and spatial information, amino acid conservation, physicochemical variation, residue mobility, and thermodynamic stability) indicates that this missense variant is not expected to disrupt COL12A1 protein function with a negative predictive value of 80%. In summary, the available evidence is currently insufficient to determine the role of this variant in disease. Therefore, it has been classified as a Variant of Uncertain Significance.

NM_004370.6(COL12A1):c.3299T>A (p.Met1100Lys)

Gene: COL12A1 (collagen type XII alpha 1 chain; minus strand). Cytogenetic location: 6q13.
Variant type: single nucleotide variant.
Coding change: c.3299T>A on transcript NM_004370.6 (MANE Select); coding-DNA position 3299, T replaced by A.
Protein change: p.Met1100Lys; replaces methionine 1100 with lysine.
Molecular consequence: missense variant. On other transcripts: intron variant (2).
Genome position (GRCh38, 1-based): chr6:75,155,806, A>T on the plus strand (T>A on the coding strand, the complement: COL12A1 is on the minus strand). VCF-style: chr6-75155806-A-T. GRCh37 (hg19) VCF-style: chr6-75865522-A-T.
Other names: c.3299T>A, p.Met1100Lys (NM_001424113.1, NM_001424114.1); c.3026T>A, p.Met1009Lys (NM_001424115.1); c.74-3324T>A (NM_001424116.1, NM_080645.3); short protein forms M1100K, M1009K.
Identifiers: ClinVar variation 4783211 (VCV004783211.1).